The following is an entry in ClinVar:

NM_001083962.2(TCF4):c.1301G>A (p.Gly434Asp)

Gene: TCF4 (transcription factor 4; minus strand). Cytogenetic location: 18q21.2.
Variant type: single nucleotide variant.
Coding change: c.1301G>A on transcript NM_001083962.2 (MANE Select); coding-DNA position 1301, G replaced by A.
Protein change: p.Gly434Asp; replaces glycine 434 with aspartic acid.
Molecular consequence: missense variant.
Genome position (GRCh38, 1-based): chr18:55,254,546, C>T on the plus strand (G>A on the coding strand, the complement: TCF4 is on the minus strand). VCF-style: chr18-55254546-C-T. GRCh37 (hg19) VCF-style: chr18-52921777-C-T.
Other names: c.1298G>A, p.Gly433Asp (NM_001369569.1, NM_001369570.1, NM_001369573.1 and 2 more transcripts); c.1301G>A, p.Gly434Asp (NM_001369571.1, NM_001369572.1, NM_001369567.1 and 2 more transcripts); c.1229G>A, p.Gly410Asp (NM_001369575.1, NM_001348217.1, NM_001348218.2 and 5 more transcripts); c.1226G>A, p.Gly409Asp (NM_001369576.1, NM_001369577.1, NM_001348220.1 and 6 more transcripts); c.911G>A, p.Gly304Asp (NM_001348213.2, NM_001243233.2, NM_001330605.3 and 1 more transcripts); c.818G>A, p.Gly273Asp (NM_001348214.2); c.653G>A, p.Gly218Asp (NM_001348215.2); c.821G>A, p.Gly274Asp (NM_001348216.2, NM_001243234.2, NM_001243235.2 and 1 more transcripts); and 6 more; short protein forms G274D, G304D, G410D, G440D, G536D, G218D, G273D, G363D.
Identifiers: ClinVar variation 3659132 (VCV003659132.2).

ClinVar aggregate classification (germline): Uncertain significance (1 of 4 stars; one submission).

Conditions:
Pitt-Hopkins syndrome (PTHS). Also called: ENCEPHALOPATHY, SEVERE EPILEPTIC, WITH AUTONOMIC DYSFUNCTION; MENTAL RETARDATION, SYNDROMAL, WITH INTERMITTENT HYPERVENTILATION. Identifiers: Orphanet 2896, MedGen C1970431, MONDO:0012589, OMIM 610954.

Submission:

Labcorp Genetics (formerly Invitae), Labcorp
Classification: Uncertain significance for Pitt-Hopkins syndrome. Last evaluated: 2024-08-08. Review status: criteria provided, single submitter. Criteria: Invitae Variant Classification Sherloc (09022015). Collection method: clinical testing. Allele origin: germline.
Comment: This sequence change replaces glycine, which is neutral and non-polar, with aspartic acid, which is acidic and polar, at codon 434 of the TCF4 protein (p.Gly434Asp). This variant is not present in population databases (gnomAD no frequency). This variant has not been reported in the literature in individuals affected with TCF4-related conditions. Advanced modeling of protein sequence and biophysical properties (such as structural, functional, and spatial information, amino acid conservation, physicochemical variation, residue mobility, and thermodynamic stability) performed at Invitae indicates that this missense variant is not expected to disrupt TCF4 protein function with a negative predictive value of 80%. In summary, the available evidence is currently insufficient to determine the role of this variant in disease. Therefore, it has been classified as a Variant of Uncertain Significance.